The following is an entry in ClinVar:

NM_000059.4(BRCA2):c.4819A>T (p.Ile1607Phe)

Gene: BRCA2 (BRCA2 DNA repair associated; plus strand). Cytogenetic location: 13q13.1.
Variant type: single nucleotide variant.
Coding change: c.4819A>T on transcript NM_000059.4 (MANE Select); coding-DNA position 4819, A replaced by T.
Protein change: p.Ile1607Phe; replaces isoleucine 1607 with phenylalanine.
Molecular consequence: missense variant. On other transcripts: non-coding transcript variant (1), intron variant (2).
Genome position (GRCh38, 1-based): chr13:32,339,174, A>T. VCF-style: chr13-32339174-A-T. GRCh37 (hg19) VCF-style: chr13-32913311-A-T.
Other names: c.4819A>T, p.Ile1607Phe (NM_001406719.1, NM_001406720.1); c.1910-5384A>T (NM_001406721.1); c.425-5384A>T (NM_001406722.1); short protein forms I1607F.
Identifiers: ClinVar variation 2733515 (VCV002733515.2), dbSNP rs200582465, ClinGen allele CA387783293.

ClinVar aggregate classification (germline): Uncertain significance (1 of 4 stars; one submission).

Conditions:
Hereditary breast ovarian cancer syndrome. Also called: BRCA1- and BRCA2-Associated Hereditary Breast and Ovarian Cancer; Hereditary breast and/or ovarian cancer syndrome; Hereditary breast and ovarian cancer; Hereditary breast and ovarian cancer syndrome (HBOC); Breast and ovarian cancer; Hereditary breast and ovarian cancer syndrome. Identifiers: Orphanet 145, MedGen C0677776, MeSH D061325, MONDO:0003582. Disease mechanism: loss of function.

gnomAD v4.1: 1 of 1,613,870 alleles (0.000062%); highest among the groups gnomAD compares: South Asian, 0.0011%; no homozygotes.

Submission:

Labcorp Genetics (formerly Invitae), Labcorp
Classification: Uncertain significance for Hereditary breast ovarian cancer syndrome. Last evaluated: 2023-06-30. Review status: criteria provided, single submitter. Criteria: Invitae Variant Classification Sherloc (09022015). Collection method: clinical testing. Allele origin: germline.
Comment: In summary, the available evidence is currently insufficient to determine the role of this variant in disease. Therefore, it has been classified as a Variant of Uncertain Significance. Advanced modeling of protein sequence and biophysical properties (such as structural, functional, and spatial information, amino acid conservation, physicochemical variation, residue mobility, and thermodynamic stability) performed at Invitae indicates that this missense variant is not expected to disrupt BRCA2 protein function. This variant has not been reported in the literature in individuals affected with BRCA2-related conditions. This variant is not present in population databases (gnomAD no frequency). This sequence change replaces isoleucine, which is neutral and non-polar, with phenylalanine, which is neutral and non-polar, at codon 1607 of the BRCA2 protein (p.Ile1607Phe).